The following is an entry in ClinVar:

NM_000321.3(RB1):c.354T>A (p.Thr118=)

Gene: RB1 (RB transcriptional corepressor 1; plus strand). Cytogenetic location: 13q14.2.
Variant type: single nucleotide variant.
Coding change: c.354T>A on transcript NM_000321.3 (MANE Select); coding-DNA position 354, T replaced by A.
Protein change: p.Thr118=; no amino-acid change (threonine 118 retained).
Molecular consequence: synonymous variant.
Genome position (GRCh38, 1-based): chr13:48,342,688, T>A. VCF-style: chr13-48342688-T-A. GRCh37 (hg19) VCF-style: chr13-48916824-T-A.
Identifiers: ClinVar variation 823911 (VCV000823911.17), dbSNP rs951251256, ClinGen allele CA249846143.

ClinVar aggregate classification (germline): Conflicting classifications of pathogenicity. Review status: criteria provided, conflicting classifications (1 of 4 stars). 6 submissions from 6 submitters: Uncertain significance (1); Benign (1); Likely benign (4). Last evaluated 2026-06-23.

Conditions:
Hereditary cancer-predisposing syndrome. Also called: Tumor predisposition; Hereditary Cancer Syndrome; Hereditary neoplastic syndrome; Neoplastic Syndromes, Hereditary. Identifiers: Orphanet 140162, MedGen C0027672, MeSH D009386, MONDO:0015356.
Retinoblastoma (RB1). Also called: RETINOBLASTOMA, SOMATIC. Identifiers: Orphanet 790, MedGen C0035335, MeSH D012175, MONDO:0008380, OMIM 180200, HP:0009919. Disease mechanism: loss of function. Inheritance: Both sporadic and heritable forms are tested..

Allele frequency attached by ClinVar (database versions not stated): gnomAD exomes below 0.00001 and 0.00002; TOPMed 0.00001.
gnomAD v4.1: 6 of 1,608,814 alleles (0.00037%); highest among the groups gnomAD compares: Admixed American, 0.0067%; no homozygotes.

Submissions (6):

Myriad Genetics, Inc.
Classification: Benign for Retinoblastoma. Last evaluated: 2026-06-23. Review status: criteria provided, single submitter. Criteria: Myriad Autosomal Dominant, Autosomal Recessive and X-Linked Classification Criteria (2023). Collection method: clinical testing. Allele origin: unknown.
Comment: This variant is considered benign. This variant is a silent/synonymous amino acid change and it is not expected to impact splicing.

Labcorp Genetics (formerly Invitae), Labcorp
Classification: Likely benign for Retinoblastoma. Last evaluated: 2025-12-30. Review status: criteria provided, single submitter. Criteria: Invitae Variant Classification Sherloc (09022015). Collection method: clinical testing. Allele origin: germline.

All of Us Research Program, National Institutes of Health
Classification: Likely benign for Retinoblastoma. Last evaluated: 2024-09-16. Review status: criteria provided, single submitter. Criteria: ACMG Guidelines, 2015. Collection method: clinical testing. Allele origin: germline. Inheritance: Autosomal dominant inheritance. Observed: 14 variant alleles, 14 heterozygotes.
Comment: This study involves interpretation of variants in research participants for the purpose of population health screening. Participant phenotype was not available at the time of variant classification. Additional details can be found in publication PMID: 35346344, PMCID: PMC8962531

Color Diagnostics, LLC DBA Color Health
Classification: Likely benign for Retinoblastoma. Last evaluated: 2023-12-05. Review status: criteria provided, single submitter. Criteria: ACMG Guidelines, 2015. Collection method: clinical testing. Allele origin: germline.

Sema4
Classification: Uncertain significance for Hereditary cancer-predisposing syndrome. Last evaluated: 2021-12-16. Review status: criteria provided, single submitter. Criteria: Sema4 Curation Guidelines. Collection method: curation. Allele origin: germline.
Comment: The RB1 c.354T>A (p.T118= ) variant has not been reported in the literature to our knowledge. It was observed in 4/34576 chromosomes of the Latino (AMR) subpopulation in the large and broad cohorts of the Genome Aggregation Database (PMID: 32461654). This variant has been reported in ClinVar (Variation ID 823911). In silico tools that predict the effect of sequence changes on splicing suggest that this variant may impact splicing, though these predictions have not been confirmed by functional studies. The evidence is insufficient to meet ACMG/AMP criteria for classifying the variant as benign or pathogenic. Thus, the clinical significance of this variant is currently uncertain.

Ambry Genetics
Classification: Likely benign for Hereditary cancer-predisposing syndrome. Last evaluated: 2017-12-15. Review status: criteria provided, single submitter. Criteria: Ambry Variant Classification Scheme 2023. Collection method: clinical testing. Allele origin: germline.